The following is an entry in ClinVar:

ClinVar aggregate classification (germline): Pathogenic (1 of 4 stars; one submission).

Conditions:
Glycogen storage disease, type V (GSD5). Also called: MCARDLE DISEASE; MUSCLE GLYCOGEN PHOSPHORYLASE DEFICIENCY; MYOPHOSPHORYLASE DEFICIENCY; PYGM DEFICIENCY; McArdle type glycogen storage disease. Identifiers: Orphanet 368, MedGen C0017924, MONDO:0009293, OMIM 232600.

Submission:

Labcorp Genetics (formerly Invitae), Labcorp
Classification: Pathogenic for Glycogen storage disease, type V. Last evaluated: 2020-09-03. Review status: criteria provided, single submitter. Criteria: Invitae Variant Classification Sherloc (09022015). Collection method: clinical testing. Allele origin: germline.
Comment: For these reasons, this variant has been classified as Pathogenic. Loss-of-function variants in PYGM are known to be pathogenic (PMID: 8316268, 16786513). This variant has not been reported in the literature in individuals with PYGM-related conditions. This variant is not present in population databases (ExAC no frequency). This sequence change creates a premature translational stop signal (p.Ile508Thrfs*31) in the PYGM gene. It is expected to result in an absent or disrupted protein product.

Literature cited by the submitters: PubMed 8316268; PubMed 16786513.

NM_005609.4(PYGM):c.1523del (p.Ile508fs)

Gene: PYGM (glycogen phosphorylase, muscle associated; minus strand). Cytogenetic location: 11q13.1.
Variant type: Deletion.
Coding change: c.1523del on transcript NM_005609.4 (MANE Select); coding-DNA position 1523, one base deleted (T; older notation c.1523delT).
Protein change: p.Ile508fs; shifts the reading frame from isoleucine 508.
Molecular consequence: frameshift variant.
Genome position (GRCh38, 1-based): chr11:64,752,500, A deleted on the plus strand (T on the coding strand, the reverse complement: PYGM is on the minus strand). VCF-style (leftmost placement, unchanged base first): chr11-64752499-GA-G. GRCh37 (hg19) VCF-style: chr11-64519971-GA-G.
Other names: c.1259del, p.Ile420fs (NM_001164716.1); short protein forms I420fs, I508fs.
Identifiers: ClinVar variation 1070372 (VCV001070372.7), dbSNP rs2135831473, ClinGen allele CA2499221126.